The following is an entry in ClinVar:

ClinVar aggregate classification (germline): Uncertain significance (1 of 4 stars; one submission).

Conditions:
Developmental and epileptic encephalopathy, 53. Also called: Epileptic encephalopathy, early infantile, 53. Identifiers: MedGen C4479313, MONDO:0033362, OMIM 617389.
Early-onset Parkinson disease 20. Also called: PARKINSON DISEASE 20, AUTOSOMAL RECESSIVE EARLY-ONSET. Identifiers: Orphanet 391411, MedGen C3809824, MONDO:0014233, OMIM 615530.

Submission:

Labcorp Genetics (formerly Invitae), Labcorp
Classification: Uncertain significance for Developmental and epileptic encephalopathy, 53; Early-onset Parkinson disease 20. Last evaluated: 2025-11-24. Review status: criteria provided, single submitter. Criteria: Invitae Variant Classification Sherloc (09022015). Collection method: clinical testing. Allele origin: germline.
Comment: This sequence change replaces glutamine, which is neutral and polar, with arginine, which is basic and polar, at codon 1378 of the SYNJ1 protein (p.Gln1378Arg). This variant is not present in population databases (gnomAD no frequency). This variant has not been reported in the literature in individuals affected with SYNJ1-related conditions. ClinVar contains an entry for this variant (Variation ID: 2090212). An algorithm developed to predict the effect of missense changes on protein structure and function outputs the following: PolyPhen-2: "Benign". The arginine amino acid residue is found in multiple mammalian species, which suggests that this missense change does not adversely affect protein function. In summary, the available evidence is currently insufficient to determine the role of this variant in disease. Therefore, it has been classified as a Variant of Uncertain Significance.

NM_203446.3(SYNJ1):c.*104A>G

Gene: SYNJ1 (synaptojanin 1; minus strand). Cytogenetic location: 21q22.11.
Variant type: single nucleotide variant.
Coding change: c.*104A>G on transcript NM_203446.3 (MANE Select); 104 bases downstream of the stop codon, A replaced by G.
Molecular consequence: 3 prime UTR variant. On other transcripts: missense variant (2).
Genome position (GRCh38, 1-based): chr21:32,631,701, T>C on the plus strand (A>G on the coding strand, the complement: SYNJ1 is on the minus strand). VCF-style: chr21-32631701-T-C. GRCh37 (hg19) VCF-style: chr21-34004011-T-C.
Other names: c.*104A>G (NM_001160302.2); c.3875A>G, p.Gln1292Arg (NM_001160306.2); c.4133A>G, p.Gln1378Arg (NM_003895.4); short protein forms Q1292R, Q1378R.
Identifiers: ClinVar variation 2090212 (VCV002090212.4), dbSNP rs2517275139, ClinGen allele CA410083009.
Genomic context (GRCh38, chr21:32,631,701, plus strand): 5'-GGCAACTGAATCAACCTCTTTGGGTCTGGGGTGGGAACAGGTGACGTTTGAACAGATAGC[T>C]GAGCCTTTGATACAGCAAGCAGATTAAATGACAGATCTTCAAATGGGTCAATCTTTAATG-3'